The following is an entry in ClinVar:

NM_001365276.2(TNXB):c.2325C>T (p.Pro775=)

Gene: TNXB (tenascin XB; minus strand). Cytogenetic location: 6p21.33.
Variant type: single nucleotide variant.
Coding change: c.2325C>T on transcript NM_001365276.2 (MANE Select); coding-DNA position 2325, C replaced by T.
Protein change: p.Pro775=; no amino-acid change (proline 775 retained).
Molecular consequence: synonymous variant.
Genome position (GRCh38, 1-based): chr6:32,095,109, G>A on the plus strand (C>T on the coding strand, the complement: TNXB is on the minus strand). VCF-style: chr6-32095109-G-A. GRCh37 (hg19) VCF-style: chr6-32062886-G-A.
Other names: c.2325C>T, p.Pro775= (NM_019105.8).
Identifiers: ClinVar variation 1702322 (VCV001702322.10), dbSNP rs943305771, ClinGen allele CA136905111.

ClinVar aggregate classification (germline): Conflicting classifications of pathogenicity. Review status: criteria provided, conflicting classifications (1 of 4 stars). 4 submissions from 4 submitters: Uncertain significance (1); Likely benign (3). Last evaluated 2026-02-01.

Conditions:
Ehlers-Danlos syndrome (EDS). Identifiers: Orphanet 98249, MedGen C0013720, MONDO:0020066.
Cardiovascular phenotype. Identifiers: MedGen CN230736.

Allele frequency attached by ClinVar (database versions not stated): gnomAD exomes 0.00022.
gnomAD v4.1: 120 of 1,549,070 alleles (0.0077%); highest among the groups gnomAD compares: Admixed American, 0.22%; 1 homozygote.

Submissions (4):

CeGaT Center for Human Genetics Tuebingen
Classification: Likely benign. Last evaluated: 2026-02-01. Review status: criteria provided, single submitter. Criteria: CeGaT Center For Human Genetics Tuebingen Variant Classification Criteria Version 2. Collection method: clinical testing. Allele origin: germline. Affected: yes. Observed: 1 variant allele.
Comment: TNXB: BP4, BP7

Labcorp Genetics (formerly Invitae), Labcorp
Classification: Likely benign. Last evaluated: 2026-01-14. Review status: criteria provided, single submitter. Criteria: Invitae Variant Classification Sherloc (09022015). Collection method: clinical testing. Allele origin: germline.

Genome Diagnostics Laboratory, The Hospital for Sick Children
Classification: Uncertain significance for Ehlers-Danlos syndrome. Last evaluated: 2021-01-06. Review status: criteria provided, single submitter. Criteria: ACMG Guidelines, 2015. Collection method: clinical testing. Allele origin: germline.

Ambry Genetics
Classification: Likely benign for Cardiovascular phenotype. Last evaluated: 2020-05-18. Review status: criteria provided, single submitter. Criteria: Ambry Variant Classification Scheme 2023. Collection method: clinical testing. Allele origin: germline.